The following is an entry in ClinVar:

ClinVar aggregate classification (germline): Pathogenic (1 of 4 stars; one submission).

Submission:

Labcorp Genetics (formerly Invitae), Labcorp
Classification: Pathogenic. Last evaluated: 2019-12-03. Review status: criteria provided, single submitter. Criteria: Invitae Variant Classification Sherloc (09022015). Collection method: clinical testing. Allele origin: germline.
Comment: For these reasons, this variant has been classified as Pathogenic. Loss-of-function variants in LOXHD1 are known to be pathogenic (PMID: 19732867, 21465660, 25792669). This variant has not been reported in the literature in individuals with LOXHD1-related conditions. This variant is not present in population databases (ExAC no frequency). This sequence change creates a premature translational stop signal (p.Ser890Alafs*43) in the LOXHD1 gene. It is expected to result in an absent or disrupted protein product.

Literature cited by the submitters: PubMed 19732867; PubMed 21465660; PubMed 25792669.

NM_001384474.1(LOXHD1):c.2667del (p.Ser890fs)

Gene: LOXHD1 (lipoxygenase homology PLAT domains 1; minus strand). Cytogenetic location: 18q21.1.
Variant type: Deletion.
Coding change: c.2667del on transcript NM_001384474.1 (MANE Select); coding-DNA position 2667, one base deleted (C; older notation c.2667delC).
Protein change: p.Ser890fs; shifts the reading frame from serine 890.
Molecular consequence: frameshift variant.
Genome position (GRCh38, 1-based): chr18:46,560,477, G deleted on the plus strand (C on the coding strand, the reverse complement: LOXHD1 is on the minus strand); the first of 3 consecutive G bases (chr18:46,560,477-46,560,479); deleting any one gives the same sequence. VCF-style (leftmost placement, unchanged base first): chr18-46560476-TG-T. GRCh37 (hg19) VCF-style: chr18-44140439-TG-T.
Other names: c.2667del, p.Ser890fs (NM_144612.7); short protein forms S890fs.
Identifiers: ClinVar variation 835121 (VCV000835121.7), dbSNP rs2037500230, ClinGen allele CA916083646.